The following is an entry in ClinVar:

ClinVar aggregate classification (germline): Conflicting classifications of pathogenicity. Review status: criteria provided, conflicting classifications (1 of 4 stars). 7 submissions from 7 submitters: Uncertain significance (6); Likely benign (1). Last evaluated 2025-05-05.

Conditions:
Lynch syndrome. Identifiers: Orphanet 144, MedGen C4552100, MONDO:0005835. Disease mechanism: loss of function.
Hereditary nonpolyposis colorectal neoplasms. Identifiers: MedGen C0009405, MeSH D003123.
Hereditary cancer-predisposing syndrome. Also called: Neoplastic Syndromes, Hereditary; Hereditary Cancer Syndrome; Tumor predisposition; Hereditary neoplastic syndrome. Identifiers: Orphanet 140162, MedGen C0027672, MeSH D009386, MONDO:0015356.
Lynch syndrome 4 (LYNCH4). Also called: Colorectal cancer, hereditary nonpolyposis, type 4; Hereditary non-polyposis colorectal cancer, type 4. Identifiers: Orphanet 144, MedGen C1838333, MONDO:0013699, OMIM 614337. Disease mechanism: loss of function.

Allele frequency attached by ClinVar (database versions not stated): gnomAD 0.00001; TOPMed 0.00001.
gnomAD v4.1: 3 of 1,613,138 alleles (0.00019%); highest among the groups gnomAD compares: Admixed American, 0.0017%; no homozygotes.

Submissions (7):

Spanish MMR Variant Interpretation Working Group
Classification: Uncertain significance for Hereditary cancer-predisposing syndrome. Last evaluated: 2025-05-05. Review status: criteria provided, single submitter. Criteria: ClinGen CRC ACMG Specifications PMS2 V1.0.0. Collection method: clinical testing. Allele origin: germline. Affected: yes.
Comment: The PMS2 variant c.825A>T replaces glutamine with histidine at codon 275 of the PMS2 protein, p.(Gln275His). The glutamine residue is weakly conserved, and there is a small physicochemical difference between glutamine and histidine. It is extremely rare (<1 in 50,000 alleles) in the gnomAD v4.1.0 database (PM2_P). The SpliceAI algorithm predicts no significant impact on splicing. It is a missense variant with a MAPP+PolyPhen-2 prior probability of pathogenicity of <0.11 (BP4). There are no other described missense variants classified as Class 4/5 by InSiGHT located at the same residue. To our current knowledge, no functional assays have been reported for this variant. Based on the available evidence, this variant is classified as a Variant of Uncertain Significance (Class 3).

Labcorp Genetics (formerly Invitae), Labcorp
Classification: Uncertain significance for Hereditary nonpolyposis colorectal neoplasms. Last evaluated: 2024-11-19. Review status: criteria provided, single submitter. Criteria: Invitae Variant Classification Sherloc (09022015). Collection method: clinical testing. Allele origin: germline.
Comment: This sequence change replaces glutamine, which is neutral and polar, with histidine, which is basic and polar, at codon 275 of the PMS2 protein (p.Gln275His). This variant is not present in population databases (gnomAD no frequency). This missense change has been observed in individual(s) with colorectal or breast cancer (PMID: 30256826, 35264596). ClinVar contains an entry for this variant (Variation ID: 584683). Invitae Evidence Modeling incorporating data from in vitro experimental studies (internal data) indicates that this missense variant is not expected to disrupt PMS2 function with a negative predictive value of 95%. In summary, the available evidence is currently insufficient to determine the role of this variant in disease. Therefore, it has been classified as a Variant of Uncertain Significance.

All of Us Research Program, National Institutes of Health
Classification: Uncertain significance for Lynch syndrome. Last evaluated: 2024-02-22. Review status: criteria provided, single submitter. Criteria: ACMG Guidelines, 2015. Collection method: clinical testing. Allele origin: germline. Inheritance: Autosomal dominant inheritance. Observed: 1 variant allele, 1 heterozygote.
Comment: This missense variant replaces glutamine with histidine at codon 275 of the PMS2 protein. Computational prediction tool suggests that this variant may not impact protein structure and function (internally defined REVEL score threshold <=0.5, PMID: 27666373). Variant histidine is a predominant reference amino acid in mammalian species, suggesting that this variant is likely tolerated for PMS2 function. Splice site prediction tools suggest that this variant may not impact RNA splicing. To our knowledge, functional studies have not been performed for this variant. This variant has been reported in an individual affected with colorectal cancer (PMID: 30256826 ). This variant has not been identified in the general population by the Genome Aggregation Database (gnomAD). The available evidence is insufficient to determine the role of this variant in disease conclusively. Therefore, this variant is classified as a Variant of Uncertain Significance.

This study involves interpretation of variants in research participants for the purpose of population health screening. Participant phenotype was not available at the time of variant classification. Additional details can be found in publication PMID: 35346344, PMCID: PMC8962531

Color Diagnostics, LLC DBA Color Health
Classification: Uncertain significance for Hereditary cancer-predisposing syndrome. Last evaluated: 2024-01-30. Review status: criteria provided, single submitter. Criteria: ACMG Guidelines, 2015. Collection method: clinical testing. Allele origin: germline.
Comment: This missense variant replaces glutamine with histidine at codon 275 of the PMS2 protein. Computational prediction suggests that this variant may not impact protein structure and function (internally defined REVEL score threshold <= 0.5, PMID: 27666373). To our knowledge, functional studies have not been reported for this variant. This variant has been reported in an individual affected with early onset colorectal cancer with tumor data showing microsatellite instability and loss of MLH1 and PMS2 protein via immunohistochemistry analysis (PMID: 30256826). This variant has not been identified in the general population by the Genome Aggregation Database (gnomAD). The available evidence is insufficient to determine the role of this variant in disease conclusively. Therefore, this variant is classified as a Variant of Uncertain Significance.

GeneDx
Classification: Uncertain significance. Last evaluated: 2023-03-16. Review status: criteria provided, single submitter. Criteria: GeneDx Variant Classification Process June 2021. Collection method: clinical testing. Allele origin: germline. Affected: yes.
Comment: Not observed at significant frequency in large population cohorts (gnomAD); In silico analysis supports that this missense variant does not alter protein structure/function; Observed in an individual with colorectal cancer (Martin-Morales et al., 2018); This variant is associated with the following publications: (PMID: 35264596, 11574484, 30256826)

Ambry Genetics
Classification: Likely benign for Hereditary cancer-predisposing syndrome. Last evaluated: 2020-06-10. Review status: criteria provided, single submitter. Criteria: Ambry Variant Classification Scheme 2023. Collection method: clinical testing. Allele origin: germline.

Mendelics
Classification: Uncertain significance for Lynch syndrome 4. Last evaluated: 2019-05-28. Review status: criteria provided, single submitter. Criteria: Mendelics Assertion Criteria 2017. Collection method: clinical testing. Allele origin: unknown.

Literature cited by the submitters: PubMed 30256826 (cited by 3 submitters); PubMed 35264596 (cited by Labcorp Genetics (formerly Invitae), Labcorp).

NM_000535.7(PMS2):c.825A>T (p.Gln275His)

Gene: PMS2 (PMS1 homolog 2, mismatch repair system component; minus strand). Cytogenetic location: 7p22.1.
Variant type: single nucleotide variant.
Coding change: c.825A>T on transcript NM_000535.7 (MANE Select); coding-DNA position 825, A replaced by T.
Protein change: p.Gln275His; replaces glutamine 275 with histidine.
Molecular consequence: missense variant. On other transcripts: 5 prime UTR variant (2), non-coding transcript variant (1).
Genome position (GRCh38, 1-based): chr7:5,995,612, T>A on the plus strand (A>T on the coding strand, the complement: PMS2 is on the minus strand). VCF-style: chr7-5995612-T-A. GRCh37 (hg19) VCF-style: chr7-6035243-T-A.
Other names: c.420A>T, p.Gln140His (NM_001322003.2, NM_001322004.2, NM_001322005.2 and 2 more transcripts); c.825A>T, p.Gln275His (NM_001322006.2, NM_001322014.2); c.507A>T, p.Gln169His (NM_001322007.2, NM_001322008.2); c.-109A>T (NM_001322011.2, NM_001322012.2); c.252A>T, p.Gln84His (NM_001322013.2); c.516A>T, p.Gln172His (NM_001322015.2); short protein forms Q275H, Q169H, Q84H, Q140H, Q172H.
Identifiers: ClinVar variation 584683 (VCV000584683.19), dbSNP rs876659736, ClinGen allele CA366743542.